The following is an entry in ClinVar:

ClinVar aggregate classification (germline): Uncertain significance (1 of 4 stars; one submission).

Submission:

Labcorp Genetics (formerly Invitae), Labcorp
Classification: Uncertain significance. Last evaluated: 2025-10-21. Review status: criteria provided, single submitter. Criteria: Invitae Variant Classification Sherloc (09022015). Collection method: clinical testing. Allele origin: germline.
Comment: This sequence change replaces glutamic acid, which is acidic and polar, with alanine, which is neutral and non-polar, at codon 1764 of the ANK1 protein (p.Glu1764Ala). This variant is present in population databases (rs776071944, gnomAD 0.01%). This variant has not been reported in the literature in individuals affected with ANK1-related conditions. An algorithm developed to predict the effect of missense changes on protein structure and function outputs the following: PolyPhen-2: "Benign". The alanine amino acid residue is found in multiple mammalian species, which suggests that this missense change does not adversely affect protein function. In summary, the available evidence is currently insufficient to determine the role of this variant in disease. Therefore, it has been classified as a Variant of Uncertain Significance.

NM_000037.4(ANK1):c.5291A>C (p.Glu1764Ala)

Gene: ANK1 (ankyrin 1; minus strand). Cytogenetic location: 8p11.21.
Variant type: single nucleotide variant.
Coding change: c.5291A>C on transcript NM_000037.4 (MANE Select); coding-DNA position 5291, A replaced by C.
Protein change: p.Glu1764Ala; replaces glutamic acid 1764 with alanine.
Molecular consequence: missense variant.
Genome position (GRCh38, 1-based): chr8:41,668,370, T>G on the plus strand (A>C on the coding strand, the complement: ANK1 is on the minus strand). VCF-style: chr8-41668370-T-G. GRCh37 (hg19) VCF-style: chr8-41525888-T-G.
Other names: c.5414A>C, p.Glu1805Ala (NM_001142446.2); c.5291A>C, p.Glu1764Ala (NM_020475.3, NM_020476.3); c.4805A>C, p.Glu1602Ala (NM_020477.3); short protein forms E1764A, E1602A, E1805A.
Identifiers: ClinVar variation 4766965 (VCV004766965.1).